The following is an entry in ClinVar:

NM_000169.3(GLA):c.736del (p.Thr246fs)

Genes: GLA (galactosidase alpha; minus strand), RPL36A-HNRNPH2 (RPL36A-HNRNPH2 readthrough; plus strand). Cytogenetic location: Xq22.1.
Variant type: Deletion.
Coding change: c.736del on transcript NM_000169.3 (MANE Select); coding-DNA position 736, one base deleted (A; older notation c.736delA).
Protein change: p.Thr246fs; shifts the reading frame from threonine 246.
Molecular consequence: frameshift variant. On other transcripts: non-coding transcript variant (3), intron variant (2).
Genome position (GRCh38, 1-based): chrX:101,398,850, T deleted on the plus strand (A on the coding strand, the reverse complement: GLA is on the minus strand). VCF-style (leftmost placement, unchanged base first): chrX-101398849-GT-G. GRCh37 (hg19) VCF-style: chrX-100653837-GT-G.
Other names: c.736delA, p.Thr246Hisfs (NM_000169.2); c.859del, p.Thr287fs (NM_001406747.1); c.736del, p.Thr246fs (NM_001406748.1); c.300+3393del (NM_001199973.2); c.177+7028del (NM_001199974.2); short protein forms T246fs, T287fs.
Identifiers: ClinVar variation 4079371 (VCV004079371.3).

ClinVar aggregate classification (germline): Pathogenic. Review status: criteria provided, multiple submitters, no conflicts (2 of 4 stars). 2 submissions from 2 submitters: Pathogenic (2). Last evaluated 2026-09-08.

Conditions:
Fabry disease. Also called: ALPHA-GALACTOSIDASE A DEFICIENCY; ANDERSON-FABRY DISEASE; CERAMIDE TRIHEXOSIDASE DEFICIENCY; GLA DEFICIENCY; HEREDITARY DYSTOPIC LIPIDOSIS; Angiokeratoma corporis diffusum. Identifiers: Orphanet 324, MedGen C0002986, MONDO:0010526, OMIM 301500, HP:0001071. Disease mechanism: Fabry disease is due to inactivating mutations in the X-linked GLA gene resulting in deficiency of the enzyme Alpha Galactosidase-A., loss of function.

Submissions (2):

Genomenon, Inc
Classification: Pathogenic for Fabry disease. Last evaluated: 2026-09-08. Review status: criteria provided, single submitter. Criteria: Genomenon Sequence Variant Interpretation Standards - Updated. Collection method: curation. Allele origin: germline. Affected: yes.
Comment: GLA p.Thr246HisfsTer23 (c.736del) is a frameshift variant that is predicted to introduce a premature termination codon and result in a truncated or absent protein product. This variant has been observed in at least one proband with clinical features consistent with Fabry disease (PMID:35743707). The variant was found to segregate with disease in at least one affected family (PMID:35743707). It is absent or not present at a significant frequency in gnomAD. In conclusion, we classify GLA p.Thr246HisfsTer23 (c.736del) as a pathogenic variant.

Revvity Omics, Revvity
Classification: Pathogenic. Last evaluated: 2025-05-22. Review status: criteria provided, single submitter. Criteria: ACMG Guidelines, 2015. Collection method: clinical testing. Allele origin: germline.

Literature cited by the submitters: PubMed 35743707 (cited by Genomenon, Inc).